The following is an entry in ClinVar:

ClinVar aggregate classification (germline): Uncertain significance. Review status: criteria provided, multiple submitters, no conflicts (2 of 4 stars). 2 submissions from 2 submitters: Uncertain significance (2). Last evaluated 2026-07-27.

Conditions:
SERPINB6-related disorder. Also called: SERPINB6-related condition.

gnomAD v4.1: 10 of 1,614,042 alleles (0.00062%); highest among the groups gnomAD compares: Non-Finnish European, 0.00085%; no homozygotes.

Submissions (2):

PreventionGenetics, part of Exact Sciences
Classification: Uncertain significance for SERPINB6-related condition. Last evaluated: 2026-07-27. Review status: criteria provided, single submitter. Criteria: ACMG Guidelines, 2015. Collection method: clinical testing. Allele origin: germline.
Comment: The SERPINB6 c.16G>A variant is predicted to result in the amino acid substitution p.Glu6Lys. To our knowledge, this variant has not been reported in the literature. This variant is reported in 0.0015% of alleles in individuals of European (Non-Finnish) descent in gnomAD. At this time, the clinical significance of this variant is uncertain due to the absence of conclusive functional and genetic evidence.

Ambry Genetics
Classification: Uncertain significance. Last evaluated: 2025-05-25. Review status: criteria provided, single submitter. Criteria: Ambry Variant Classification Scheme 2023. Collection method: clinical testing. Allele origin: germline.

NM_004568.6(SERPINB6):c.16G>A (p.Glu6Lys)

Gene: SERPINB6 (serpin family B member 6; minus strand). Cytogenetic location: 6p25.2.
Variant type: single nucleotide variant.
Coding change: c.16G>A on transcript NM_004568.6 (MANE Select); coding-DNA position 16, G replaced by A.
Protein change: p.Glu6Lys; replaces glutamic acid 6 with lysine.
Molecular consequence: missense variant. On other transcripts: non-coding transcript variant (1), intron variant (1).
Genome position (GRCh38, 1-based): chr6:2,959,317, C>T on the plus strand (G>A on the coding strand, the complement: SERPINB6 is on the minus strand). VCF-style: chr6-2959317-C-T. GRCh37 (hg19) VCF-style: chr6-2959551-C-T.
Other names: c.28G>A, p.Glu10Lys (NM_001195291.3, NM_001374515.1); c.58G>A, p.Glu20Lys (NM_001271822.2); c.73G>A, p.Glu25Lys (NM_001271823.2); c.16G>A, p.Glu6Lys (NM_001271824.2, NM_001271825.2, NM_001297699.2 and 2 more transcripts); c.34-3647G>A (NM_001374517.1); short protein forms E20K, E10K, E25K, E6K.
Identifiers: ClinVar variation 3952649 (VCV003952649.2).